The following is an entry in ClinVar:

ClinVar aggregate classification (germline): Uncertain significance. Review status: criteria provided, multiple submitters, no conflicts (2 of 4 stars). 2 submissions from 2 submitters: Uncertain significance (2). Last evaluated 2024-05-09.

Conditions:
Deficiency of adenosine deaminase 2. Also called: Polyarteritis nodosa, childhoood-onset; Adenosine Deaminase 2 Deficiency; VASCULITIS, AUTOINFLAMMATION, IMMUNODEFICIENCY, AND HEMATOLOGIC DEFECTS SYNDROME. Identifiers: Orphanet 404553, MedGen C3887654, MONDO:0014306, OMIM 615688, MONDO:0100317.
Sneddon syndrome (SNDNS). Also called: LIVEDO RETICULARIS AND CEREBROVASCULAR ACCIDENTS; Idiopathic livedo reticularis with systemic involvement. Identifiers: Orphanet 820, MedGen C0282492, MONDO:0008436, OMIM 182410.

Allele frequency attached by ClinVar (database versions not stated): ExAC 0.00001; gnomAD exomes 0.00001; TOPMed 0.00001; gnomAD 0.00003.

Submissions (2):

Fulgent Genetics
Classification: Uncertain significance for Sneddon syndrome; Deficiency of adenosine deaminase 2. Last evaluated: 2024-05-09. Review status: criteria provided, single submitter. Criteria: ACMG Guidelines, 2015. Collection method: clinical testing. Allele origin: germline.

Labcorp Genetics (formerly Invitae), Labcorp
Classification: Uncertain significance for Deficiency of adenosine deaminase 2. Last evaluated: 2022-01-26. Review status: criteria provided, single submitter. Criteria: Invitae Variant Classification Sherloc (09022015). Collection method: clinical testing. Allele origin: germline.
Comment: This sequence change replaces isoleucine, which is neutral and non-polar, with valine, which is neutral and non-polar, at codon 214 of the ADA2 protein (p.Ile214Val). This variant is present in population databases (rs754975032, gnomAD 0.0009%). This variant has not been reported in the literature in individuals affected with ADA2-related conditions. Algorithms developed to predict the effect of missense changes on protein structure and function output the following: SIFT: "Tolerated"; PolyPhen-2: "Benign"; Align-GVGD: "Class C0". The valine amino acid residue is found in multiple mammalian species, which suggests that this missense change does not adversely affect protein function. In summary, the available evidence is currently insufficient to determine the role of this variant in disease. Therefore, it has been classified as a Variant of Uncertain Significance.

NM_001282225.2(ADA2):c.640A>G (p.Ile214Val)

Gene: ADA2 (adenosine deaminase 2; minus strand). Cytogenetic location: 22q11.1.
Variant type: single nucleotide variant.
Coding change: c.640A>G on transcript NM_001282225.2 (MANE Select); coding-DNA position 640, A replaced by G.
Protein change: p.Ile214Val; replaces isoleucine 214 with valine.
Molecular consequence: missense variant.
Genome position (GRCh38, 1-based): chr22:17,203,676, T>C on the plus strand (A>G on the coding strand, the complement: ADA2 is on the minus strand). VCF-style: chr22-17203676-T-C. GRCh37 (hg19) VCF-style: chr22-17684566-T-C.
Other names: c.640A>G, p.Ile214Val (NM_001282226.2); c.514A>G, p.Ile172Val (NM_001282227.2, NM_001282228.2); c.280A>G, p.Ile94Val (NM_001282229.2); short protein forms I172V, I214V, I94V.
Identifiers: ClinVar variation 2200203 (VCV002200203.2), dbSNP rs754975032, ClinGen allele CA10088168.
Genomic context (GRCh38, chr22:17,203,676, plus strand): 5'-CCTGCATGCTCCGGAAGACATAGTCTCTGAACACTGGTGCGTAATGGATGAGACCAGAGA[T>C]GGTGAAGAAGATGGTTTCAAATTTCGACCAGACAACATTTTGGTTTGTGTAAATCACCTC-3'
Protein context (NP_001269154.1, residues 204-224): WSKFETIFFT[Ile214Val]SGLIHYAPVF